The following is an entry in ClinVar:

ClinVar aggregate classification (germline): Benign. Review status: criteria provided, multiple submitters, no conflicts (2 of 4 stars). 3 submissions from 3 submitters: Benign (3). Last evaluated 2020-06-25.

Allele frequency attached by ClinVar (database versions not stated): 1000 Genomes Project 30x 0.99578; 1000 Genomes Project 0.99641; gnomAD 0.99671 and 0.99686; TOPMed 0.99674; gnomAD exomes 0.99944.
gnomAD v4.1: 198,822 of 199,314 alleles (100%); highest among the groups gnomAD compares: East Asian, 100%; 99,169 homozygotes.

Submissions (3):

Dubai Health Genomic Medicine Center, Dubai Health
Classification: Benign. Last evaluated: 2020-06-25. Review status: criteria provided, single submitter. Criteria: ACMG Guidelines, 2015. Collection method: clinical testing. Allele origin: germline. Affected: yes.

GeneDx
Classification: Benign. Last evaluated: 2016-03-03. Review status: criteria provided, single submitter. Criteria: GeneDx Variant Classification (06012015). Collection method: clinical testing. Allele origin: germline. Affected: yes.
Comment: This variant is considered likely benign or benign based on one or more of the following criteria: it is a conservative change, it occurs at a poorly conserved position in the protein, it is predicted to be benign by multiple in silico algorithms, and/or has population frequency not consistent with disease.

Breakthrough Genomics
Classification: Benign. Review status: criteria provided, single submitter. Criteria: ACMG Guidelines, 2015. Collection method: not provided. Allele origin: germline. Inheritance: Autosomal dominant inheritance. Affected: yes.

NM_000142.5(FGFR3):c.-102-3T>C

Gene: FGFR3 (fibroblast growth factor receptor 3; plus strand). Cytogenetic location: 4p16.3.
Variant type: single nucleotide variant.
Coding change: c.-102-3T>C on transcript NM_000142.5 (MANE Select); 3 bases into the intron before 102 bases upstream of the start codon, T replaced by C.
Molecular consequence: intron variant.
Genome position (GRCh38, 1-based): chr4:1,793,830, T>C. VCF-style: chr4-1793830-T-C. GRCh37 (hg19) VCF-style: chr4-1795557-T-C.
Other names: c.-102-3T>C (NM_001163213.2, NM_001354809.2, NM_001354810.2 and 1 more transcripts).
Identifiers: ClinVar variation 379389 (VCV000379389.4), dbSNP rs10023340, ClinGen allele CA16172253.